The following is an entry in ClinVar:

NM_001145715.3(KPNA7):c.859A>G (p.Arg287Gly)

Gene: KPNA7 (karyopherin subunit alpha 7; minus strand). Cytogenetic location: 7q22.1.
Variant type: single nucleotide variant.
Coding change: c.859A>G on transcript NM_001145715.3 (MANE Select); coding-DNA position 859, A replaced by G.
Protein change: p.Arg287Gly; replaces arginine 287 with glycine.
Molecular consequence: missense variant.
Genome position (GRCh38, 1-based): chr7:99,188,341, T>C on the plus strand (A>G on the coding strand, the complement: KPNA7 is on the minus strand). VCF-style: chr7-99188341-T-C. GRCh37 (hg19) VCF-style: chr7-98785964-T-C.
Other names: short protein forms R287G.
Identifiers: ClinVar variation 1972905 (VCV001972905.5), dbSNP rs1789738038, ClinGen allele CA368419651.
Genomic context (GRCh38, chr7:99,188,341, plus strand): 5'-GGCCCAGGATTGCATTTACCAAGACATTGAGTTCTGAGCTGGTCATGAGCACTACCAGCC[T>C]GGGCAGGACCCCCGTGTTAACCACTTGGCCGATGCGCTTGTTGGAGCCGTCGGTGAGGTA-3'
Protein context (NP_001139187.1, residues 277-297): GQVVNTGVLP[Arg287Gly]LVVLMTSSEL

ClinVar aggregate classification (germline): Uncertain significance (1 of 4 stars; one submission).

Submission:

Labcorp Genetics (formerly Invitae), Labcorp
Classification: Uncertain significance. Last evaluated: 2022-03-23. Review status: criteria provided, single submitter. Criteria: Invitae Variant Classification Sherloc (09022015). Collection method: clinical testing. Allele origin: germline.
Comment: In summary, the available evidence is currently insufficient to determine the role of this variant in disease. Therefore, it has been classified as a Variant of Uncertain Significance. Algorithms developed to predict the effect of missense changes on protein structure and function are either unavailable or do not agree on the potential impact of this missense change (SIFT: "Deleterious"; PolyPhen-2: "Probably Damaging"; Align-GVGD: "Class C0"). This variant has not been reported in the literature in individuals affected with KPNA7-related conditions. This variant is not present in population databases (gnomAD no frequency). This sequence change replaces arginine, which is basic and polar, with glycine, which is neutral and non-polar, at codon 287 of the KPNA7 protein (p.Arg287Gly).